The following is an entry in ClinVar:

NM_001042492.3(NF1):c.4832G>A (p.Arg1611Gln)

Gene: NF1 (neurofibromin 1; plus strand). Cytogenetic location: 17q11.2.
Variant type: single nucleotide variant.
Coding change: c.4832G>A on transcript NM_001042492.3 (MANE Select); coding-DNA position 4832, G replaced by A.
Protein change: p.Arg1611Gln; replaces arginine 1611 with glutamine.
Molecular consequence: missense variant.
Genome position (GRCh38, 1-based): chr17:31,265,336, G>A. VCF-style: chr17-31265336-G-A. GRCh37 (hg19) VCF-style: chr17-29592354-G-A.
Other names: c.4769G>A, p.Arg1590Gln (NM_000267.4); short protein forms R1590Q, R1611Q.
Identifiers: ClinVar variation 231506 (VCV000231506.21), dbSNP rs876659197, ClinGen allele CA10580329.

ClinVar aggregate classification (germline): Conflicting classifications of pathogenicity. Review status: criteria provided, conflicting classifications (1 of 4 stars). 8 submissions from 7 submitters: Likely pathogenic (1); Uncertain significance (7). Last evaluated 2025-12-15.

Conditions:
Cardiovascular phenotype. Identifiers: MedGen CN230736.
Hereditary cancer-predisposing syndrome. Also called: Neoplastic Syndromes, Hereditary; Hereditary neoplastic syndrome; Hereditary Cancer Syndrome; Tumor predisposition. Identifiers: Orphanet 140162, MedGen C0027672, MeSH D009386, MONDO:0015356.
Neurofibromatosis, type 1 (NF1). Also called: Peripheral type neurofibromatosis; Neurofibromatosis, type I; VON RECKLINGHAUSEN DISEASE; NEUROFIBROMATOSIS, TYPE I, SOMATIC. Identifiers: Orphanet 636, MedGen C0027831, MONDO:0018975, OMIM 162200. Disease mechanism: loss of function.
Juvenile myelomonocytic leukemia (JMML). Also called: LEUKEMIA, JUVENILE MYELOMONOCYTIC, SOMATIC. Identifiers: Orphanet 86834, MedGen C0349639, MONDO:0011908, OMIM 607785, HP:0012209.

Allele frequency attached by ClinVar (database versions not stated): gnomAD exomes below 0.00001.
gnomAD v4.1: 4 of 1,605,776 alleles (0.00025%); highest among the groups gnomAD compares: Non-Finnish European, 0.00026%; no homozygotes.

Submissions (8):

Labcorp Genetics (formerly Invitae), Labcorp
Classification: Likely pathogenic for Neurofibromatosis, type 1. Last evaluated: 2025-12-15. Review status: criteria provided, single submitter. Criteria: Invitae Variant Classification Sherloc (09022015). Collection method: clinical testing. Allele origin: germline.
Comment: This sequence change replaces arginine, which is basic and polar, with glutamine, which is neutral and polar, at codon 1590 of the NF1 protein (p.Arg1590Gln). This variant is not present in population databases (gnomAD no frequency). This missense change has been observed in individual(s) with clinical features of neurofibromatosis type 1 (internal data). ClinVar contains an entry for this variant (Variation ID: 231506). Invitae Evidence Modeling of protein sequence and biophysical properties (such as structural, functional, and spatial information, amino acid conservation, physicochemical variation, residue mobility, and thermodynamic stability) indicates that this missense variant is expected to disrupt NF1 protein function with a positive predictive value of 95%. This variant disrupts the p.Arg1590 amino acid residue in NF1. Other variant(s) that disrupt this residue have been determined to be pathogenic (PMID: 9298829, 27322474, 29673180; internal data). This suggests that this residue is clinically significant, and that variants that disrupt this residue are likely to be disease-causing. In summary, the currently available evidence indicates that the variant is pathogenic, but additional data are needed to prove that conclusively. Therefore, this variant has been classified as Likely Pathogenic.

GeneDx
Classification: Uncertain significance. Last evaluated: 2025-10-28. Review status: criteria provided, single submitter. Criteria: GeneDx Variant Classification Process June 2021. Collection method: clinical testing. Allele origin: germline. Affected: yes.
Comment: Not observed at significant frequency in large population cohorts (gnomAD); In silico analysis supports that this missense variant has a deleterious effect on protein structure/function; Observed in at least one patient from a cohort of individuals with hereditary breast cancer (PMID: 30287823); This variant is associated with the following publications: (PMID: 30287823)

Baylor Genetics
Classification: Uncertain significance for Juvenile myelomonocytic leukemia. Last evaluated: 2023-12-05. Review status: criteria provided, single submitter. Criteria: ACMG Guidelines, 2015. Collection method: clinical testing. Allele origin: unknown.

Blueprint Genetics
Classification: Uncertain significance. Last evaluated: 2023-05-31. Review status: criteria provided, single submitter. Criteria: ACMG Guidelines, 2015. Collection method: clinical testing. Allele origin: germline.

Genome-Nilou Lab
Classification: Uncertain significance for Neurofibromatosis, type 1. Last evaluated: 2022-03-15. Review status: criteria provided, single submitter. Criteria: ACMG Guidelines, 2015. Collection method: clinical testing. Allele origin: germline. Affected: no.

Ambry Genetics
Classification: Uncertain significance for Cardiovascular phenotype; Hereditary cancer-predisposing syndrome. Last evaluated: 2021-07-26. Review status: criteria provided, single submitter. Criteria: Ambry Variant Classification Scheme 2023. Collection method: clinical testing. Allele origin: germline.

Ambry Genetics
Classification: Uncertain significance for Hereditary cancer-predisposing syndrome. Last evaluated: 2016-01-18. Review status: criteria provided, single submitter. Criteria: Ambry Autosomal Dominant and X-Linked criteria (10/2015). Collection method: clinical testing. Allele origin: germline. Observed: 1 variant allele.
Comment: The p.R1611Q variant (also known as c.4832G>A), located in coding exon 36 of the NF1 gene, results from a G to A substitution at nucleotide position 4832. The arginine at codon 1611 is replaced by glutamine, an amino acid with highly similar properties. This variant was not reported in population based cohorts in the following databases: Database of Single Nucleotide Polymorphisms (dbSNP), NHLBI Exome Sequencing Project (ESP), and 1000 Genomes Project. In the ESP, this variant was not observed in 6499 samples (12998 alleles) with coverage at this position. To date, this alteration has been detected with an allele frequency of approximately 0.002% (greater than 110000 alleles tested) in our clinical cohort.This amino acid position is highly conserved in available vertebrate species. In addition, this alteration is predicted to be deleterious by in silico analysis.Since supporting evidence for this variant is limited at this time, the clinical significance of p.R1611Qremains unclear.

Quest Diagnostics Nichols Institute San Juan Capistrano
Classification: Uncertain significance. Last evaluated: 2012-04-10. Review status: criteria provided, single submitter. Criteria: Quest Diagnostics criteria. Collection method: clinical testing. Allele origin: unknown.
Comment: It has not been reported in large, multi-ethnic general populations. In the published literature, the variant has been reported in individuals with neurofibromatosis 1 (NF1) (PMID: 29673180 (2018), 9298829 (1997)) and breast cancer (PMID: 30287823 (2018), 33471991 (2021), see also LOVD). Analysis of this variant using bioinformatics tools for the prediction of the effect of amino acid changes on protein structure and function yielded predictions that this variant is damaging. Based on the available information, we are unable to determine the clinical significance of this variant.

Literature cited by the submitters: PubMed 9298829 (cited by Labcorp Genetics (formerly Invitae), Labcorp and Quest Diagnostics Nichols Institute San Juan Capistrano); PubMed 27322474 (cited by Labcorp Genetics (formerly Invitae), Labcorp); PubMed 29673180 (cited by Labcorp Genetics (formerly Invitae), Labcorp and Quest Diagnostics Nichols Institute San Juan Capistrano); PubMed 33471991 (cited by Quest Diagnostics Nichols Institute San Juan Capistrano); PubMed 30287823 (cited by Quest Diagnostics Nichols Institute San Juan Capistrano).